The following is an entry in ClinVar:

NM_207361.6(FREM2):c.7062G>A (p.Thr2354=)

Gene: FREM2 (FRAS1 related extracellular matrix 2; plus strand). Cytogenetic location: 13q13.3.
Variant type: single nucleotide variant.
Coding change: c.7062G>A on transcript NM_207361.6 (MANE Select); coding-DNA position 7062, G replaced by A.
Protein change: p.Thr2354=; no amino-acid change (threonine 2354 retained).
Molecular consequence: synonymous variant.
Genome position (GRCh38, 1-based): chr13:38,857,880, G>A. VCF-style: chr13-38857880-G-A. GRCh37 (hg19) VCF-style: chr13-39432017-G-A.
Identifiers: ClinVar variation 194290 (VCV000194290.28), dbSNP rs41286130, ClinGen allele CA240175.
Genomic context (GRCh38, chr13:38,857,880, plus strand): 5'-AAGCATCAAAAGTTTAATATTTCACTAATCAGTGATAATTGTCTTTTCCTTCTAGTTGAC[G>A]AAAGCCATTGTGTACATAGAAGAAATGAGCAGCATGGCAGATGTCACTTTTCCTTCTGTC-3'
Protein context (NP_997244.4, residues 2344-2364): DENMIAEMQL[Thr2354=]KAIVYIEEMS

ClinVar aggregate classification (germline): Conflicting classifications of pathogenicity. Review status: criteria provided, conflicting classifications (1 of 4 stars). 5 submissions from 5 submitters: Uncertain significance (2); Likely benign (3). Last evaluated 2026-07-01.

Conditions:
Fraser syndrome 2 (FRASRS2). Identifiers: MedGen C4540036, MONDO:0054738, OMIM 617666.

Allele frequency attached by ClinVar (database versions not stated): 1000 Genomes Project 30x 0.00016; 1000 Genomes Project 0.00020; gnomAD 0.00026 and 0.00027; ESP Exome Variant Server 0.00031; TOPMed 0.00034; ExAC 0.00045; gnomAD exomes 0.00052 and 0.00054.
gnomAD v4.1: 825 of 1,613,118 alleles (0.051%); highest among the groups gnomAD compares: Non-Finnish European, 0.062%; no homozygotes.

Submissions (5):

CeGaT Center for Human Genetics Tuebingen
Classification: Likely benign. Last evaluated: 2026-07-01. Review status: criteria provided, single submitter. Criteria: CeGaT Center For Human Genetics Tuebingen Variant Classification Criteria Version 2. Collection method: clinical testing. Allele origin: germline. Affected: yes. Observed: 2 variant alleles.
Comment: FREM2: BP4, BP7

Labcorp Genetics (formerly Invitae), Labcorp
Classification: Likely benign. Last evaluated: 2026-01-26. Review status: criteria provided, single submitter. Criteria: Invitae Variant Classification Sherloc (09022015). Collection method: clinical testing. Allele origin: germline.

Blueprint Genetics
Classification: Likely benign. Last evaluated: 2024-10-04. Review status: criteria provided, single submitter. Criteria: ACMG Guidelines, 2015. Collection method: clinical testing. Allele origin: germline.

Illumina Laboratory Services, Illumina
Classification: Uncertain significance for Fraser syndrome 2. Last evaluated: 2018-01-13. Review status: criteria provided, single submitter. Criteria: ICSL Variant Classification Criteria 13 December 2019. Collection method: clinical testing. Allele origin: germline.

Eurofins Ntd Llc (ga)
Classification: Uncertain significance. Last evaluated: 2014-10-21. Review status: criteria provided, single submitter. Criteria: EGL Classification Definitions 2015. Collection method: clinical testing. Allele origin: germline. Observed: 1 variant allele, 1 heterozygote.